The following is an entry in ClinVar:

ClinVar aggregate classification (germline): Uncertain significance. Review status: criteria provided, multiple submitters, no conflicts (2 of 4 stars). 2 submissions from 2 submitters: Uncertain significance (2). Last evaluated 2025-11-17.

Conditions:
Hereditary cancer-predisposing syndrome. Also called: Hereditary neoplastic syndrome; Hereditary Cancer Syndrome; Neoplastic Syndromes, Hereditary; Tumor predisposition. Identifiers: Orphanet 140162, MedGen C0027672, MeSH D009386, MONDO:0015356.
Ataxia-telangiectasia syndrome (AT). Also called: ATAXIA-TELANGIECTASIA, COMPLEMENTATION GROUP A; ATAXIA-TELANGIECTASIA, FRESNO VARIANT; LOUIS-BAR SYNDROME; Ataxia-telangiectasia, complementation group D; Ataxia-telangiectasia, complementation group E; Cerebello-oculocutaneous telangiectasia. Identifiers: Orphanet 100, MedGen C0004135, MONDO:0008840, OMIM 208900.

Submissions (2):

Ambry Genetics
Classification: Uncertain significance for Hereditary cancer-predisposing syndrome. Last evaluated: 2025-11-17. Review status: criteria provided, single submitter. Criteria: Ambry Variant Classification Scheme 2023. Collection method: clinical testing. Allele origin: germline.
Comment: The p.L443I variant (also known as c.1327C>A), located in coding exon 9 of the ATM gene, results from a C to A substitution at nucleotide position 1327. The leucine at codon 443 is replaced by isoleucine, an amino acid with highly similar properties. This amino acid position is conserved. In addition, this alteration is predicted to be tolerated by in silico analysis. Based on the available evidence, the clinical significance of this variant remains unclear.

Labcorp Genetics (formerly Invitae), Labcorp
Classification: Uncertain significance for Ataxia-telangiectasia syndrome. Last evaluated: 2024-03-01. Review status: criteria provided, single submitter. Criteria: Invitae Variant Classification Sherloc (09022015). Collection method: clinical testing. Allele origin: germline.
Comment: This sequence change replaces leucine, which is neutral and non-polar, with isoleucine, which is neutral and non-polar, at codon 443 of the ATM protein (p.Leu443Ile). This variant is not present in population databases (gnomAD no frequency). This variant has not been reported in the literature in individuals affected with ATM-related conditions. An algorithm developed to predict the effect of missense changes on protein structure and function (PolyPhen-2) suggests that this variant is likely to be disruptive. In summary, the available evidence is currently insufficient to determine the role of this variant in disease. Therefore, it has been classified as a Variant of Uncertain Significance.

NM_000051.4(ATM):c.1327C>A (p.Leu443Ile)

Gene: ATM (ATM serine/threonine kinase; plus strand). Cytogenetic location: 11q22.3.
Variant type: single nucleotide variant.
Coding change: c.1327C>A on transcript NM_000051.4 (MANE Select); coding-DNA position 1327, C replaced by A.
Protein change: p.Leu443Ile; replaces leucine 443 with isoleucine.
Molecular consequence: missense variant.
Genome position (GRCh38, 1-based): chr11:108,250,792, C>A. VCF-style: chr11-108250792-C-A. GRCh37 (hg19) VCF-style: chr11-108121519-C-A.
Other names: c.1327C>A, p.Leu443Ile (NM_001351834.2); short protein forms L443I.
Identifiers: ClinVar variation 3643848 (VCV003643848.3).